The following is an entry in ClinVar:

NM_000342.4(SLC4A1):c.2351C>G (p.Pro784Arg)

Gene: SLC4A1 (solute carrier family 4 member 1 (Diego blood group); minus strand). Cytogenetic location: 17q21.31.
Variant type: single nucleotide variant.
Coding change: c.2351C>G on transcript NM_000342.4 (MANE Select); coding-DNA position 2351, C replaced by G.
Protein change: p.Pro784Arg; replaces proline 784 with arginine.
Molecular consequence: missense variant.
Genome position (GRCh38, 1-based): chr17:44,251,549, G>C on the plus strand (C>G on the coding strand, the complement: SLC4A1 is on the minus strand). VCF-style: chr17-44251549-G-C. GRCh37 (hg19) VCF-style: chr17-42328917-G-C.
Other names: short protein forms P784R.
Identifiers: ClinVar variation 2632541 (VCV002632541.1), dbSNP rs2509958934, ClinGen allele CA399781176.

ClinVar aggregate classification (germline): Uncertain significance (1 of 4 stars; one submission).

Conditions:
SLC4A1-related disorder. Also called: SLC4A1-related condition; SLC4A1-related disorders.

Submission:

PreventionGenetics, part of Exact Sciences
Classification: Uncertain significance for SLC4A1-related condition. Last evaluated: 2023-05-24. Review status: criteria provided, single submitter. Criteria: ACMG Guidelines, 2015. Collection method: clinical testing. Allele origin: germline.
Comment: The SLC4A1 c.2351C>G variant is predicted to result in the amino acid substitution p.Pro784Arg. To our knowledge, this variant has not been reported in the literature or in a large population database, indicating this variant is rare. A different missense change at the same amino acid position, c.2351C>T (p.Pro784Leu), has been reported in two related individuals with hereditary spherocytosis (Tole et al 2020. PubMed ID: 32436265). At this time, the clinical significance of this variant is uncertain due to the absence of conclusive functional and genetic evidence.